The following is an entry in ClinVar:

ClinVar aggregate classification (germline): Uncertain significance (1 of 4 stars; one submission).

Allele frequency attached by ClinVar (database versions not stated): gnomAD 0.00001; gnomAD exomes 0.00001 and 0.00003; ExAC 0.00002; TOPMed 0.00002.
gnomAD v4.1: 32 of 1,362,230 alleles (0.0023%); highest among the groups gnomAD compares: Non-Finnish European, 0.0034%; no homozygotes.

Submission:

Labcorp Genetics (formerly Invitae), Labcorp
Classification: Uncertain significance. Last evaluated: 2022-08-22. Review status: criteria provided, single submitter. Criteria: Invitae Variant Classification Sherloc (09022015). Collection method: clinical testing. Allele origin: germline.
Comment: This sequence change replaces asparagine, which is neutral and polar, with lysine, which is basic and polar, at codon 671 of the IL12RB2 protein (p.Asn671Lys). In summary, the available evidence is currently insufficient to determine the role of this variant in disease. Therefore, it has been classified as a Variant of Uncertain Significance. Algorithms developed to predict the effect of missense changes on protein structure and function (SIFT, PolyPhen-2, Align-GVGD) all suggest that this variant is likely to be disruptive. ClinVar contains an entry for this variant (Variation ID: 1476992). This variant has not been reported in the literature in individuals affected with IL12RB2-related conditions. This variant is present in population databases (rs763020380, gnomAD 0.002%).

NM_001374259.2(IL12RB2):c.2013T>G (p.Asn671Lys)

Gene: IL12RB2 (interleukin 12 receptor subunit beta 2; plus strand). Cytogenetic location: 1p31.3.
Variant type: single nucleotide variant.
Coding change: c.2013T>G on transcript NM_001374259.2 (MANE Select); coding-DNA position 2013, T replaced by G.
Protein change: p.Asn671Lys; replaces asparagine 671 with lysine.
Molecular consequence: missense variant. On other transcripts: non-coding transcript variant (2), intron variant (3).
Genome position (GRCh38, 1-based): chr1:67,390,095, T>G. VCF-style: chr1-67390095-T-G. GRCh37 (hg19) VCF-style: chr1-67855778-T-G.
Other names: c.1755T>G, p.Asn585Lys (NM_001258215.1); c.2013T>G, p.Asn671Lys (NM_001559.3); c.1946+3426T>G (NM_001258214.1, NM_001319233.1); c.1856-5452T>G (NM_001258216.1); short protein forms N585K, N671K.
Identifiers: ClinVar variation 1476992 (VCV001476992.8), dbSNP rs763020380, ClinGen allele CA900632.